The following is an entry in ClinVar:

ClinVar aggregate classification (germline): Uncertain significance (1 of 4 stars; one submission).

Conditions:
Glycogen storage disease type III (GSD3). Also called: Cori disease; FORBES DISEASE. Identifiers: Orphanet 366, MedGen C0017922, MONDO:0009291, OMIM 232400.

Allele frequency attached by ClinVar (database versions not stated): gnomAD 0.00001; gnomAD exomes 0.00001; TOPMed 0.00001.
gnomAD v4.1: 15 of 1,613,416 alleles (0.00093%); highest among the groups gnomAD compares: African/African-American, 0.0013%; no homozygotes.

Submission:

Labcorp Genetics (formerly Invitae), Labcorp
Classification: Uncertain significance for Glycogen storage disease type III. Last evaluated: 2022-05-02. Review status: criteria provided, single submitter. Criteria: Invitae Variant Classification Sherloc (09022015). Collection method: clinical testing. Allele origin: germline.
Comment: This sequence change replaces threonine, which is neutral and polar, with alanine, which is neutral and non-polar, at codon 825 of the AGL protein (p.Thr825Ala). This variant is present in population databases (no rsID available, gnomAD 0.01%). This variant has not been reported in the literature in individuals affected with AGL-related conditions. Algorithms developed to predict the effect of missense changes on protein structure and function output the following: SIFT: "Tolerated"; PolyPhen-2: "Benign"; Align-GVGD: "Class C0". The alanine amino acid residue is found in multiple mammalian species, which suggests that this missense change does not adversely affect protein function. In summary, the available evidence is currently insufficient to determine the role of this variant in disease. Therefore, it has been classified as a Variant of Uncertain Significance.

NM_000642.3(AGL):c.2473A>G (p.Thr825Ala)

Gene: AGL (amylo-alpha-1,6-glucosidase and 4-alpha-glucanotransferase; plus strand). Cytogenetic location: 1p21.2.
Variant type: single nucleotide variant.
Coding change: c.2473A>G on transcript NM_000642.3 (MANE Select); coding-DNA position 2473, A replaced by G.
Protein change: p.Thr825Ala; replaces threonine 825 with alanine.
Molecular consequence: missense variant.
Genome position (GRCh38, 1-based): chr1:99,884,378, A>G. VCF-style: chr1-99884378-A-G. GRCh37 (hg19) VCF-style: chr1-100349934-A-G.
Other names: c.2473A>G, p.Thr825Ala (NM_000028.3, NM_000643.3, NM_000644.3 and 2 more transcripts); c.2425A>G, p.Thr809Ala (NM_000646.3); c.2272A>G, p.Thr758Ala (NM_001425327.1); c.2269A>G, p.Thr757Ala (NM_001425328.1, NM_001425329.1); c.2095A>G, p.Thr699Ala (NM_001425332.1); short protein forms T809A, T825A, T699A, T757A, T758A.
Identifiers: ClinVar variation 2052007 (VCV002052007.1), dbSNP rs1339838287, ClinGen allele CA341321139.